The following is an entry in ClinVar:

ClinVar aggregate classification (germline): Conflicting classifications of pathogenicity. Review status: criteria provided, conflicting classifications (1 of 4 stars). 2 submissions from 2 submitters: Uncertain significance (1); Likely benign (1). Last evaluated 2023-12-01.

Conditions:
Hereditary cancer-predisposing syndrome. Also called: Tumor predisposition; Neoplastic Syndromes, Hereditary; Hereditary neoplastic syndrome; Hereditary Cancer Syndrome. Identifiers: Orphanet 140162, MedGen C0027672, MeSH D009386, MONDO:0015356.
Hereditary breast ovarian cancer syndrome. Also called: Hereditary breast and/or ovarian cancer syndrome; Breast and ovarian cancer; Hereditary breast and ovarian cancer; BRCA1- and BRCA2-Associated Hereditary Breast and Ovarian Cancer; Hereditary breast and ovarian cancer syndrome; Hereditary breast and ovarian cancer syndrome (HBOC). Identifiers: Orphanet 145, MedGen C0677776, MeSH D061325, MONDO:0003582. Disease mechanism: loss of function.

Submissions (2):

Labcorp Genetics (formerly Invitae), Labcorp
Classification: Uncertain significance for Hereditary breast ovarian cancer syndrome. Last evaluated: 2023-12-01. Review status: criteria provided, single submitter. Criteria: Invitae Variant Classification Sherloc (09022015). Collection method: clinical testing. Allele origin: germline.
Comment: This sequence change replaces valine, which is neutral and non-polar, with isoleucine, which is neutral and non-polar, at codon 388 of the BRCA2 protein (p.Val388Ile). This variant is not present in population databases (gnomAD no frequency). This variant has not been reported in the literature in individuals affected with BRCA2-related conditions. ClinVar contains an entry for this variant (Variation ID: 1513228). Advanced modeling of protein sequence and biophysical properties (such as structural, functional, and spatial information, amino acid conservation, physicochemical variation, residue mobility, and thermodynamic stability) performed at Invitae indicates that this missense variant is not expected to disrupt BRCA2 protein function with a negative predictive value of 95%. In summary, the available evidence is currently insufficient to determine the role of this variant in disease. Therefore, it has been classified as a Variant of Uncertain Significance.

University of Washington Department of Laboratory Medicine, University of Washington
Classification: Likely benign for Hereditary cancer-predisposing syndrome. Last evaluated: 2023-03-23. Review status: criteria provided, single submitter. Criteria: Dines et al. (Genet Med. 2020). Collection method: curation. Allele origin: germline.
Comment: Missense variant in a coldspot region where missense variants are very unlikely to be pathogenic (PMID:31911673).

BRCA2 exon 10 coldspot. Reclassification based on statistical prior probability.

NM_000059.4(BRCA2):c.1162G>A (p.Val388Ile)

Gene: BRCA2 (BRCA2 DNA repair associated; plus strand). Cytogenetic location: 13q13.1.
Variant type: single nucleotide variant.
Coding change: c.1162G>A on transcript NM_000059.4 (MANE Select); coding-DNA position 1162, G replaced by A.
Protein change: p.Val388Ile; replaces valine 388 with isoleucine.
Molecular consequence: missense variant.
Genome position (GRCh38, 1-based): chr13:32,332,640, G>A. VCF-style: chr13-32332640-G-A. GRCh37 (hg19) VCF-style: chr13-32906777-G-A.
Other names: short protein forms V388I.
Identifiers: ClinVar variation 1513228 (VCV001513228.9), dbSNP rs876660239, ClinGen allele CA387761917.